The following is an entry in ClinVar:

NM_001618.4(PARP1):c.14C>G (p.Ser5Trp)

Gene: PARP1 (poly(ADP-ribose) polymerase 1; minus strand). Cytogenetic location: 1q42.12.
Variant type: single nucleotide variant.
Coding change: c.14C>G on transcript NM_001618.4 (MANE Select); coding-DNA position 14, C replaced by G.
Protein change: p.Ser5Trp; replaces serine 5 with tryptophan.
Molecular consequence: missense variant.
Genome position (GRCh38, 1-based): chr1:226,407,916, G>C on the plus strand (C>G on the coding strand, the complement: PARP1 is on the minus strand). VCF-style: chr1-226407916-G-C. GRCh37 (hg19) VCF-style: chr1-226595617-G-C.
Other names: short protein forms S5W.
Identifiers: ClinVar variation 3035978 (VCV003035978.2), dbSNP rs201256399, ClinGen allele CA1423351.

ClinVar aggregate classification (germline): Likely benign (0 of 4 stars; one submission).

Conditions:
PARP1-related disorder. Also called: PARP1-related condition.

Allele frequency attached by ClinVar (database versions not stated): gnomAD 0.00012; TOPMed 0.00014; ExAC 0.00016; 1000 Genomes Project 30x 0.00094; 1000 Genomes Project 0.00120.
gnomAD v4.1: 73 of 1,612,354 alleles (0.0045%); highest among the groups gnomAD compares: East Asian, 0.15%; no homozygotes.

Submission:

PreventionGenetics, part of Exact Sciences
Classification: Likely benign for PARP1-related condition. Last evaluated: 2020-12-24. Review status: no assertion criteria provided. Collection method: clinical testing. Allele origin: germline.
Comment: This variant is classified as likely benign based on ACMG/AMP sequence variant interpretation guidelines (Richards et al. 2015 PMID: 25741868, with internal and published modifications).